The following is an entry in ClinVar:

ClinVar aggregate classification (germline): Uncertain significance (1 of 4 stars; one submission).

Submission:

Labcorp Genetics (formerly Invitae), Labcorp
Classification: Uncertain significance. Last evaluated: 2022-11-01. Review status: criteria provided, single submitter. Criteria: Invitae Variant Classification Sherloc (09022015). Collection method: clinical testing. Allele origin: unknown.
Comment: In summary, the available evidence is currently insufficient to determine the role of this variant in disease. Therefore, it has been classified as a Variant of Uncertain Significance. A similar copy number variant has been observed in individual(s) with clinical features of common variable immunodeficiency (PMID: 23058036). This variant is a gross deletion of the genomic region encompassing exon(s) 2-27 of the VAV1 gene, which includes the termination codon. This deletion extends beyond the assayed region for this gene and therefore may encompass additional genes. While this deletion is not anticipated to lead to nonsense mediated decay, it is expected to alter mRNA translation or result in a truncated protein product.

Literature cited by the submitters: PubMed 23058036.

NC_000019.9:g.(?_6820693)_(6857118_?)del

Gene: VAV1 (vav guanine nucleotide exchange factor 1; plus strand). Cytogenetic location: 19p13.3.
Variant type: Deletion.
Identifiers: ClinVar variation 3242685 (VCV003242685.1).